The following is an entry in ClinVar:

NM_000059.4(BRCA2):c.3596A>G (p.Asp1199Gly)

Gene: BRCA2 (BRCA2 DNA repair associated; plus strand). Cytogenetic location: 13q13.1.
Variant type: single nucleotide variant.
Coding change: c.3596A>G on transcript NM_000059.4 (MANE Select); coding-DNA position 3596, A replaced by G.
Protein change: p.Asp1199Gly; replaces aspartic acid 1199 with glycine.
Molecular consequence: missense variant.
Genome position (GRCh38, 1-based): chr13:32,337,951, A>G. VCF-style: chr13-32337951-A-G. GRCh37 (hg19) VCF-style: chr13-32912088-A-G.
Other names: short protein forms D1199G.
Identifiers: ClinVar variation 1050461 (VCV001050461.3), dbSNP rs2137498177, ClinGen allele CA387777467.

ClinVar aggregate classification (germline): Likely benign. Review status: criteria provided, single submitter (1 of 4 stars). 2 submissions from 2 submitters: Likely benign (1). 1 of the submissions does not count toward it. Last evaluated 2023-03-23.

Conditions:
Hereditary cancer-predisposing syndrome. Also called: Hereditary Cancer Syndrome; Tumor predisposition; Hereditary neoplastic syndrome; Neoplastic Syndromes, Hereditary. Identifiers: Orphanet 140162, MedGen C0027672, MeSH D009386, MONDO:0015356.
Breast-ovarian cancer, familial, susceptibility to, 2 (BROVCA2). Also called: BRCA2 Hereditary Breast and Ovarian Cancer. Identifiers: Orphanet 145, MedGen C2675520, MONDO:0012933, OMIM 612555. Disease mechanism: loss of function.

Submissions (2):

University of Washington Department of Laboratory Medicine, University of Washington
Classification: Likely benign for Hereditary cancer-predisposing syndrome. Last evaluated: 2023-03-23. Review status: criteria provided, single submitter. Criteria: Dines et al. (Genet Med. 2020). Collection method: curation. Allele origin: germline.
Comment: Missense variant in a coldspot region where missense variants are very unlikely to be pathogenic (PMID:31911673).

BRCA2 exon 11 coldspot. Reclassification based on statistical prior probability.

Department of Pathology and Laboratory Medicine, Sinai Health System
Classification: Uncertain significance for Breast-ovarian cancer, familial, susceptibility to, 2. Review status: no assertion criteria provided. Collection method: clinical testing. Allele origin: unknown. Affected: yes. Study: The Canadian Open Genetics Repository (COGR). Not counted in ClinVar's aggregate classification.
Comment: The BRCA2 p.Asp1199Gly variant was not identified in the literature nor was it identified in the dbSNP, ClinVar, LOVD 3.0, or UMD-LSDB, databases. The variant was not identified in the following control databases: the Exome Aggregation Consortium (August 8th 2016), or the Genome Aggregation Database (Feb 27, 2017). The p.Asp1199 residue is not conserved in mammals and three out of four computational analyses (SIFT, AlignGVGD, BLOSUM, MutationTaster) do not suggest a high likelihood of impact to the protein; however, this information is not predictive enough to rule out pathogenicity. The variant occurs outside of the splicing consensus sequence and in silico or computational prediction software programs (SpliceSiteFinder, MaxEntScan, NNSPLICE, GeneSplicer) do not predict a difference in splicing. In summary, based on the above information the clinical significance of this variant cannot be determined with certainty at this time. This variant is classified as a variant of uncertain significance.